The following is an entry in ClinVar:

NM_001122769.3(LCA5):c.1027G>T (p.Glu343Ter)

Gene: LCA5 (lebercilin LCA5; minus strand). Cytogenetic location: 6q14.1.
Variant type: single nucleotide variant.
Coding change: c.1027G>T on transcript NM_001122769.3 (MANE Select); coding-DNA position 1027, G replaced by T.
Protein change: p.Glu343Ter; replaces glutamic acid 343 with a stop codon.
Molecular consequence: nonsense.
Genome position (GRCh38, 1-based): chr6:79,491,659, C>A on the plus strand (G>T on the coding strand, the complement: LCA5 is on the minus strand). VCF-style: chr6-79491659-C-A. GRCh37 (hg19) VCF-style: chr6-80201376-C-A.
Other names: c.1027G>T, p.Glu343Ter (NM_181714.4); short protein forms E343*.
Identifiers: ClinVar variation 2760921 (VCV002760921.3), dbSNP rs2533385885, ClinGen allele CA364643954.

ClinVar aggregate classification (germline): Pathogenic (1 of 4 stars; one submission).

Submission:

Labcorp Genetics (formerly Invitae), Labcorp
Classification: Pathogenic. Last evaluated: 2023-09-15. Review status: criteria provided, single submitter. Criteria: Invitae Variant Classification Sherloc (09022015). Collection method: clinical testing. Allele origin: germline.
Comment: This sequence change creates a premature translational stop signal (p.Glu343*) in the LCA5 gene. It is expected to result in an absent or disrupted protein product. Loss-of-function variants in LCA5 are known to be pathogenic (PMID: 17546029, 23946133). This variant is not present in population databases (gnomAD no frequency). This variant has not been reported in the literature in individuals affected with LCA5-related conditions. For these reasons, this variant has been classified as Pathogenic.

Literature cited by the submitters: PubMed 17546029; PubMed 23946133.